The following is an entry in ClinVar:

ClinVar aggregate classification (germline): Pathogenic (1 of 4 stars; one submission).

Conditions:
Marfan syndrome (MFS). Also called: Marfan syndrome, classic; FBN1-Related Marfan Syndrome; Marfan syndrome type 1; Marfan's syndrome; MARFAN SYNDROME, TYPE I. Identifiers: Orphanet 284963, Orphanet 558, MedGen C0024796, MONDO:0007947, OMIM 154700.
Familial thoracic aortic aneurysm and aortic dissection (TAAD). Also called: Thoracic aortic aneurysms and dissections. Identifiers: Orphanet 91387, MedGen C4707243, MONDO:0019625.

Submission:

Labcorp Genetics (formerly Invitae), Labcorp
Classification: Pathogenic for Marfan syndrome; Familial thoracic aortic aneurysm and aortic dissection. Last evaluated: 2022-04-24. Review status: criteria provided, single submitter. Criteria: Invitae Variant Classification Sherloc (09022015). Collection method: clinical testing. Allele origin: germline.
Comment: This missense change has been observed in individual(s) with Marfan syndrome (PMID: 14695540, 16222666). In at least one individual the variant was observed to be de novo. This sequence change replaces cysteine, which is neutral and slightly polar, with tyrosine, which is neutral and polar, at codon 1044 of the FBN1 protein (p.Cys1044Tyr). This variant is not present in population databases (gnomAD no frequency). ClinVar contains an entry for this variant (Variation ID: 180353). Advanced modeling of protein sequence and biophysical properties (such as structural, functional, and spatial information, amino acid conservation, physicochemical variation, residue mobility, and thermodynamic stability) performed at Invitae indicates that this missense variant is expected to disrupt FBN1 protein function. This variant affects a cysteine residue in the EGF-like, TGFBP or hybrid motif domains of FBN1. Cysteine residues are believed to be involved in intramolecular disulfide bridges and have been shown to be important for FBN1 protein structure (PMID: 16905551, 19349279). In addition, missense substitutions affecting cysteine residues within these domains are significantly overrepresented among patients with Marfan syndrome (PMID: 16571647, 17701892). For these reasons, this variant has been classified as Pathogenic.

Literature cited by the submitters: PubMed 14695540; PubMed 16222666; PubMed 16905551; PubMed 19349279; PubMed 16571647; PubMed 17701892.

NM_000138.5(FBN1):c.3131G>A (p.Cys1044Tyr)

Gene: FBN1 (fibrillin 1; minus strand). Cytogenetic location: 15q21.1.
Variant type: single nucleotide variant.
Coding change: c.3131G>A on transcript NM_000138.5 (MANE Select); coding-DNA position 3131, G replaced by A.
Protein change: p.Cys1044Tyr; replaces cysteine 1044 with tyrosine.
Molecular consequence: missense variant.
Genome position (GRCh38, 1-based): chr15:48,488,445, C>T on the plus strand (G>A on the coding strand, the complement: FBN1 is on the minus strand). VCF-style: chr15-48488445-C-T. GRCh37 (hg19) VCF-style: chr15-48780642-C-T.
Other names: short protein forms C1044Y.
Identifiers: ClinVar variation 180353 (VCV000180353.5), dbSNP rs730880100, ClinGen allele CA013806.